The following is an entry in ClinVar:

NM_020366.4(RPGRIP1):c.322G>A (p.Gly108Arg)

Gene: RPGRIP1 (RPGR interacting protein 1; plus strand). Cytogenetic location: 14q11.2.
Variant type: single nucleotide variant.
Coding change: c.322G>A on transcript NM_020366.4 (MANE Select); coding-DNA position 322, G replaced by A.
Protein change: p.Gly108Arg; replaces glycine 108 with arginine.
Molecular consequence: missense variant.
Genome position (GRCh38, 1-based): chr14:21,301,069, G>A. VCF-style: chr14-21301069-G-A. GRCh37 (hg19) VCF-style: chr14-21769228-G-A.
Other names: short protein forms G108R.
Identifiers: ClinVar variation 2160366 (VCV002160366.2), dbSNP rs1252806078, ClinGen allele CA388858767.

ClinVar aggregate classification (germline): Uncertain significance. Review status: criteria provided, multiple submitters, no conflicts (2 of 4 stars). 2 submissions from 2 submitters: Uncertain significance (2). Last evaluated 2022-08-04.

Conditions:
Leber congenital amaurosis 6 (LCA6). Identifiers: Orphanet 65, MedGen C1854260, MONDO:0013446, OMIM 613826.
Cone-rod dystrophy 13 (CORD13). Identifiers: Orphanet 1872, MedGen C2750720, MONDO:0011987, OMIM 608194.

Allele frequency attached by ClinVar (database versions not stated): gnomAD exomes below 0.00001.
gnomAD v4.1: 6 of 1,612,618 alleles (0.00037%); highest among the groups gnomAD compares: Middle Eastern, 0.033%; no homozygotes.

Submissions (2):

Labcorp Genetics (formerly Invitae), Labcorp
Classification: Uncertain significance for Leber congenital amaurosis 6; Cone-rod dystrophy 13. Last evaluated: 2022-08-04. Review status: criteria provided, single submitter. Criteria: Invitae Variant Classification Sherloc (09022015). Collection method: clinical testing. Allele origin: germline.
Comment: This sequence change replaces glycine, which is neutral and non-polar, with arginine, which is basic and polar, at codon 108 of the RPGRIP1 protein (p.Gly108Arg). This variant is present in population databases (no rsID available, gnomAD no frequency). This variant has not been reported in the literature in individuals affected with RPGRIP1-related conditions. Algorithms developed to predict the effect of missense changes on protein structure and function (SIFT, PolyPhen-2, Align-GVGD) all suggest that this variant is likely to be tolerated. In summary, the available evidence is currently insufficient to determine the role of this variant in disease. Therefore, it has been classified as a Variant of Uncertain Significance.

Blueprint Genetics
Classification: Uncertain significance. Last evaluated: 2018-10-05. Review status: criteria provided, single submitter. Criteria: ACMG Guidelines, 2015. Collection method: clinical testing. Allele origin: germline.